The following is an entry in ClinVar:

NM_002087.4(GRN):c.1571G>T (p.Gly524Val)

Gene: GRN (granulin precursor; plus strand). Cytogenetic location: 17q21.31.
Variant type: single nucleotide variant.
Coding change: c.1571G>T on transcript NM_002087.4 (MANE Select); coding-DNA position 1571, G replaced by T.
Protein change: p.Gly524Val; replaces glycine 524 with valine.
Molecular consequence: missense variant.
Genome position (GRCh38, 1-based): chr17:44,352,498, G>T. VCF-style: chr17-44352498-G-T. GRCh37 (hg19) VCF-style: chr17-42429866-G-T.
Other names: short protein forms G524V.
Identifiers: ClinVar variation 2927943 (VCV002927943.3), dbSNP rs755127828, ClinGen allele CA399770544.
Genomic context (GRCh38, chr17:44,352,498, plus strand): 5'-CTGCCACCTTCCTGGCCCGTAGCCCTCACGTGGGTGTGAAGGACGTGGAGTGTGGGGAAG[G>T]ACACTTCTGCCATGATAACCAGACCTGCTGCCGAGACAACCGACAGGGCTGGGCCTGCTG-3'
Protein context (NP_002078.1, residues 514-534): VGVKDVECGE[Gly524Val]HFCHDNQTCC

ClinVar aggregate classification (germline): Uncertain significance (1 of 4 stars; one submission).

Conditions:
GRN-related frontotemporal lobar degeneration with Tdp43 inclusions (FTD2). Also called: GRN Frontotemporal Dementia; FRONTOTEMPORAL DEMENTIA WITH TDP43 INCLUSIONS, GRN-RELATED; DEMENTIA, HEREDITARY DYSPHASIC DISINHIBITION; FRONTOTEMPORAL LOBAR DEGENERATION WITH UBIQUITIN-POSITIVE INCLUSIONS; FTLD-TDP, GRN-RELATED. Identifiers: Orphanet 100070, Orphanet 282, MedGen C1843792, MONDO:0011842, OMIM 607485. Disease mechanism: loss of function.
Neuronal ceroid lipofuscinosis 11. Also called: GRN-Related Neuronal Ceroid-Lipofuscinosis. Identifiers: Orphanet 314629, Orphanet 79262, MedGen C3539123, MONDO:0013866, OMIM 614706.

Allele frequency attached by ClinVar (database versions not stated): gnomAD 0.00001.
gnomAD v4.1: 3 of 1,613,792 alleles (0.00019%); highest among the groups gnomAD compares: Admixed American, 0.005%; no homozygotes.

Submission:

Labcorp Genetics (formerly Invitae), Labcorp
Classification: Uncertain significance for Neuronal ceroid lipofuscinosis 11; GRN-related frontotemporal lobar degeneration with Tdp43 inclusions. Last evaluated: 2022-12-31. Review status: criteria provided, single submitter. Criteria: Invitae Variant Classification Sherloc (09022015). Collection method: clinical testing. Allele origin: germline.
Comment: In summary, the available evidence is currently insufficient to determine the role of this variant in disease. Therefore, it has been classified as a Variant of Uncertain Significance. Algorithms developed to predict the effect of missense changes on protein structure and function (SIFT, PolyPhen-2, Align-GVGD) all suggest that this variant is likely to be tolerated. This variant has not been reported in the literature in individuals affected with GRN-related conditions. This variant is not present in population databases (gnomAD no frequency). This sequence change replaces glycine, which is neutral and non-polar, with valine, which is neutral and non-polar, at codon 524 of the GRN protein (p.Gly524Val).